The following is an entry in ClinVar:

ClinVar aggregate classification (germline): Uncertain significance (1 of 4 stars; one submission).

Submission:

Labcorp Genetics (formerly Invitae), Labcorp
Classification: Uncertain significance. Last evaluated: 2025-09-14. Review status: criteria provided, single submitter. Criteria: Invitae Variant Classification Sherloc (09022015). Collection method: clinical testing. Allele origin: germline.
Comment: This sequence change replaces threonine, which is neutral and polar, with alanine, which is neutral and non-polar, at codon 485 of the GUF1 protein (p.Thr485Ala). This variant is not present in population databases (gnomAD no frequency). This variant has not been reported in the literature in individuals affected with GUF1-related conditions. Invitae Evidence Modeling of protein sequence and biophysical properties (such as structural, functional, and spatial information, amino acid conservation, physicochemical variation, residue mobility, and thermodynamic stability) indicates that this missense variant is not expected to disrupt GUF1 protein function with a negative predictive value of 80%. In summary, the available evidence is currently insufficient to determine the role of this variant in disease. Therefore, it has been classified as a Variant of Uncertain Significance.

NM_021927.3(GUF1):c.1453A>G (p.Thr485Ala)

Gene: GUF1 (GTP binding elongation factor GUF1; plus strand). Cytogenetic location: 4p12.
Variant type: single nucleotide variant.
Coding change: c.1453A>G on transcript NM_021927.3 (MANE Select); coding-DNA position 1453, A replaced by G.
Protein change: p.Thr485Ala; replaces threonine 485 with alanine.
Molecular consequence: missense variant.
Genome position (GRCh38, 1-based): chr4:44,690,834, A>G. VCF-style: chr4-44690834-A-G. GRCh37 (hg19) VCF-style: chr4-44692851-A-G.
Other names: c.481A>G, p.Thr161Ala (NM_001345867.2, NM_001345869.2); c.1453A>G, p.Thr485Ala (NM_001345868.2); short protein forms T161A, T485A.
Identifiers: ClinVar variation 4743355 (VCV004743355.1).